The following is an entry in ClinVar:

ClinVar aggregate classification (germline): Uncertain significance (1 of 4 stars; one submission).

Submission:

Labcorp Genetics (formerly Invitae), Labcorp
Classification: Uncertain significance. Last evaluated: 2021-09-10. Review status: criteria provided, single submitter. Criteria: Invitae Variant Classification Sherloc (09022015). Collection method: clinical testing. Allele origin: germline.
Comment: This sequence change replaces alanine with glycine at codon 201 of the ASXL2 protein (p.Ala201Gly). The alanine residue is moderately conserved and there is a small physicochemical difference between alanine and glycine. This variant is not present in population databases (ExAC no frequency). This variant has not been reported in the literature in individuals affected with ASXL2-related conditions. Algorithms developed to predict the effect of missense changes on protein structure and function are either unavailable or do not agree on the potential impact of this missense change (SIFT: "Tolerated"; PolyPhen-2: "Not Available"; Align-GVGD: "Class C0"). In summary, the available evidence is currently insufficient to determine the role of this variant in disease. Therefore, it has been classified as a Variant of Uncertain Significance.

NM_018263.6(ASXL2):c.602C>G (p.Ala201Gly)

Gene: ASXL2 (ASXL transcriptional regulator 2; minus strand). Cytogenetic location: 2p23.3.
Variant type: single nucleotide variant.
Coding change: c.602C>G on transcript NM_018263.6 (MANE Select); coding-DNA position 602, C replaced by G.
Protein change: p.Ala201Gly; replaces alanine 201 with glycine.
Molecular consequence: missense variant. On other transcripts: 5 prime UTR variant (1).
Genome position (GRCh38, 1-based): chr2:25,768,771, G>C on the plus strand (C>G on the coding strand, the complement: ASXL2 is on the minus strand). VCF-style: chr2-25768771-G-C. GRCh37 (hg19) VCF-style: chr2-25991640-G-C.
Other names: c.428C>G, p.Ala143Gly (NM_001369346.1); c.-179C>G (NM_001369347.1); short protein forms A201G, A143G.
Identifiers: ClinVar variation 1437567 (VCV001437567.6), dbSNP rs1285932089, ClinGen allele CA346082128.